The following is an entry in ClinVar:

NM_003105.6(SORL1):c.3871T>C (p.Phe1291Leu)

Gene: SORL1 (sortilin related receptor 1; plus strand). Cytogenetic location: 11q24.1.
Variant type: single nucleotide variant.
Coding change: c.3871T>C on transcript NM_003105.6 (MANE Select); coding-DNA position 3871, T replaced by C.
Protein change: p.Phe1291Leu; replaces phenylalanine 1291 with leucine.
Molecular consequence: missense variant.
Genome position (GRCh38, 1-based): chr11:121,588,076, T>C. VCF-style: chr11-121588076-T-C. GRCh37 (hg19) VCF-style: chr11-121458785-T-C.
Other names: short protein forms F1291L.
Identifiers: ClinVar variation 3603632 (VCV003603632.2).

ClinVar aggregate classification (germline): Uncertain significance (1 of 4 stars; one submission).

gnomAD v4.1: 96 of 1,613,710 alleles (0.0059%); highest among the groups gnomAD compares: Middle Eastern, 0.016%; no homozygotes.

Submission:

Labcorp Genetics (formerly Invitae), Labcorp
Classification: Uncertain significance. Last evaluated: 2025-01-07. Review status: criteria provided, single submitter. Criteria: Invitae Variant Classification Sherloc (09022015). Collection method: clinical testing. Allele origin: germline.
Comment: This sequence change replaces phenylalanine, which is neutral and non-polar, with leucine, which is neutral and non-polar, at codon 1291 of the SORL1 protein (p.Phe1291Leu). This variant is present in population databases (rs201019377, gnomAD 0.007%). This variant has not been reported in the literature in individuals affected with SORL1-related conditions. An algorithm developed to predict the effect of missense changes on protein structure and function (PolyPhen-2) suggests that this variant is likely to be tolerated. In summary, the available evidence is currently insufficient to determine the role of this variant in disease. Therefore, it has been classified as a Variant of Uncertain Significance.